The following is an entry in ClinVar:

ClinVar aggregate classification (germline): Pathogenic (1 of 4 stars; one submission).

Conditions:
Charcot-Marie-Tooth disease axonal type 2P. Also called: CHARCOT-MARIE-TOOTH NEUROPATHY, TYPE 2P; Charcot-Marie-Tooth Neuropathy Type 2G; CHARCOT-MARIE-TOOTH DISEASE, AXONAL, TYPE 2G; CMT 2G. Identifiers: Orphanet 300319, Orphanet 99941, MedGen C3280797, MONDO:0013753, OMIM 614436.

Submission:

Labcorp Genetics (formerly Invitae), Labcorp
Classification: Pathogenic for Charcot-Marie-Tooth disease axonal type 2P. Last evaluated: 2023-10-06. Review status: criteria provided, single submitter. Criteria: Invitae Variant Classification Sherloc (09022015). Collection method: clinical testing. Allele origin: germline.
Comment: This variant is a gross deletion of the genomic region encompassing exon(s) 25 of the LRSAM1 gene, which includes the termination codon. This deletion extends beyond the assayed region for this gene and therefore may encompass additional genes. While this deletion is not anticipated to lead to nonsense mediated decay, it is expected to alter mRNA translation or result in a truncated protein product. A similar copy number variant has been observed in individuals with autosomal dominant Charcot-Marie-Tooth disease (PMID: 31852984, 33414056). This deletion encompasses the functionally conserved RING domain of the LRSAM1 protein (PMID: 24894446, 28335037) and a significant number of previously reported autosomal dominant LRSAM1 mutations have been found to disrupt this domain (PMID: 24894446, 28335037, 22781092, 26752306). These observations suggest that a novel deletion of this domain may affect protein function, but experiments have not been done to test this possibility. For these reasons, this variant has been classified as Pathogenic.

Literature cited by the submitters: PubMed 31852984; PubMed 33414056; PubMed 24894446; PubMed 28335037; PubMed 22781092; PubMed 26752306.

NC_000009.11:g.(?_130265033)_(130265178_?)del

Gene: LRSAM1 (leucine rich repeat and sterile alpha motif containing 1; plus strand). Cytogenetic location: 9q33.3.
Variant type: Deletion.
Identifiers: ClinVar variation 1460311 (VCV001460311.5).